The following is an entry in ClinVar:

NM_003412.4(ZIC1):c.154A>G (p.Ser52Gly)

Gene: ZIC1 (Zic family zinc finger 1; plus strand). Cytogenetic location: 3q24.
Variant type: single nucleotide variant.
Coding change: c.154A>G on transcript NM_003412.4 (MANE Select); coding-DNA position 154, A replaced by G.
Protein change: p.Ser52Gly; replaces serine 52 with glycine.
Molecular consequence: missense variant.
Genome position (GRCh38, 1-based): chr3:147,410,266, A>G. VCF-style: chr3-147410266-A-G. GRCh37 (hg19) VCF-style: chr3-147128053-A-G.
Other names: short protein forms S52G.
Identifiers: ClinVar variation 4773985 (VCV004773985.1).

ClinVar aggregate classification (germline): Uncertain significance (1 of 4 stars; one submission).

gnomAD v4.1: 4 of 1,600,748 alleles (0.00025%); highest among the groups gnomAD compares: Non-Finnish European, 0.00034%; no homozygotes.

Submission:

Labcorp Genetics (formerly Invitae), Labcorp
Classification: Uncertain significance. Last evaluated: 2026-01-25. Review status: criteria provided, single submitter. Criteria: Invitae Variant Classification Sherloc (09022015). Collection method: clinical testing. Allele origin: germline.
Comment: This sequence change replaces serine, which is neutral and polar, with glycine, which is neutral and non-polar, at codon 52 of the ZIC1 protein (p.Ser52Gly). This variant is not present in population databases (gnomAD no frequency). This variant has not been reported in the literature in individuals affected with ZIC1-related conditions. An algorithm developed to predict the effect of missense changes on protein structure and function (PolyPhen-2) suggests that this variant is likely to be tolerated. In summary, the available evidence is currently insufficient to determine the role of this variant in disease. Therefore, it has been classified as a Variant of Uncertain Significance.